The following is an entry in ClinVar:

ClinVar aggregate classification (germline): Conflicting classifications of pathogenicity. Review status: criteria provided, conflicting classifications (1 of 4 stars). 18 submissions from 16 submitters: Uncertain significance (6); Benign (1); Likely benign (9). 2 of the submissions do not count toward it. Last evaluated 2026-06-08.

Conditions:
DSP-related disorder. Also called: DSP-related condition; DSP-related disorders.
Cardiovascular phenotype. Identifiers: MedGen CN230736.
Arrhythmogenic right ventricular dysplasia 8 (ARVD8). Also called: ARRHYTHMOGENIC RIGHT VENTRICULAR DYSPLASIA, FAMILIAL, 8; ARRHYTHMOGENIC RIGHT VENTRICULAR CARDIOMYOPATHY 8; Arrhythmogenic Right Ventricular Dysplasia/Cardiomyopathy 8. Identifiers: MedGen C1843896, MONDO:0011831, OMIM 607450.
Arrhythmogenic cardiomyopathy with wooly hair and keratoderma. Also called: Dilated cardiomyopathy with woolly hair and keratoderma; Arrhythmogenic cardiomyopathy with woolly hair and keratoderma; PALMOPLANTAR KERATODERMA WITH LEFT VENTRICULAR CARDIOMYOPATHY AND WOOLLY HAIR; Carvajal syndrome. Identifiers: Orphanet 65282, MedGen C1854063, MONDO:0011581, OMIM 605676.
Arrhythmogenic right ventricular cardiomyopathy (ARVD). Also called: Arrhythmogenic cardiomyopathy; Arrhythmogenic Right Ventricular Cardiomyopathy (ARVC); Cardiomyopathy, ARVC; Arrhythmogenic right ventricular dysplasia. Identifiers: Orphanet 247, MedGen C0349788, MeSH D019571, MONDO:0016587. Disease mechanism: loss of function. Inheritance: Various modes of inheritance.
Cardiomyopathy (CMYO). Also called: Cardiomyopathies. Identifiers: Orphanet 167848, MedGen C0878544, MONDO:0004994, HP:0001638. Inheritance: Various modes of inheritance.
Lethal acantholytic epidermolysis bullosa (EBLA). Identifiers: Orphanet 158687, MedGen C1864826, MONDO:0012323, OMIM 609638.
Woolly hair-skin fragility syndrome (WHSF). Identifiers: Orphanet 293165, MedGen C1843292, MONDO:0957307, OMIM 620415.

Allele frequency attached by ClinVar (database versions not stated): 1000 Genomes Project 30x 0.00016; 1000 Genomes Project 0.00020; gnomAD exomes 0.00020 and 0.00065; ExAC 0.00022; gnomAD 0.00041 and 0.00044; TOPMed 0.00044; ESP Exome Variant Server 0.00100.
gnomAD v4.1: 1,013 of 1,614,192 alleles (0.063%); highest among the groups gnomAD compares: Non-Finnish European, 0.081%; 3 homozygotes.

Submissions (18):

Women's Health and Genetics/Laboratory Corporation of America, LabCorp
Classification: Likely benign. Last evaluated: 2026-06-08. Review status: criteria provided, single submitter. Criteria: LabCorp Variant Classification Summary - May 2015. Collection method: clinical testing. Allele origin: germline.
Comment: Variant summary: DSP c.5167G>C (p.Glu1723Gln) results in a conservative amino acid change in the encoded protein sequence. Algorithms developed to predict the effect of missense changes on protein structure and function are either unavailable or do not agree on the potential impact of this missense change. The variant allele was found at a frequency of 0.0002 in 251280 control chromosomes, predominantly at a frequency of 0.0004 within the Non-Finnish European subpopulation in the gnomAD database, including 1 homozygotes. The observed variant frequency within Non-Finnish European control individuals in the gnomAD database exceeds the estimated maximal expected allele frequency for disease-causing variants in DSP. To our knowledge, no occurrence of c.5167G>C in individuals affected with DSP-related conditions has been reported. At least one publication reports experimental evidence evaluating an impact on protein function and showed moderate decrease of RhoA activity and increased protein degradation (Shoda_2021). ClinVar contains an entry for this variant (Variation ID: 44924). Based on the evidence outlined above, the variant was classified as likely benign.

Labcorp Genetics (formerly Invitae), Labcorp
Classification: Benign for Arrhythmogenic cardiomyopathy with wooly hair and keratoderma; Arrhythmogenic right ventricular dysplasia 8. Last evaluated: 2026-01-26. Review status: criteria provided, single submitter. Criteria: Invitae Variant Classification Sherloc (09022015). Collection method: clinical testing. Allele origin: germline.

Blueprint Genetics
Classification: Likely benign. Last evaluated: 2024-11-20. Review status: criteria provided, single submitter. Criteria: ACMG Guidelines, 2015. Collection method: clinical testing. Allele origin: germline.

All of Us Research Program, National Institutes of Health
Classification: Likely benign for Arrhythmogenic cardiomyopathy with wooly hair and keratoderma. Last evaluated: 2024-09-23. Review status: criteria provided, single submitter. Criteria: ACMG Guidelines, 2015. Collection method: clinical testing. Allele origin: germline. Inheritance: Autosomal dominant inheritance. Observed: 159 variant alleles, 159 heterozygotes.
Comment: This study involves interpretation of variants in research participants for the purpose of population health screening. Participant phenotype was not available at the time of variant classification. Additional details can be found in publication PMID: 35346344, PMCID: PMC8962531

CHEO Genetics Diagnostic Laboratory, Children's Hospital of Eastern Ontario
Classification: Likely benign for Cardiomyopathy. Last evaluated: 2021-09-22. Review status: criteria provided, single submitter. Criteria: ACMG Guidelines, 2015. Collection method: clinical testing. Allele origin: germline. Study: Canadian Open Genetics Repository.

New York Genome Center
Classification: Uncertain significance. Last evaluated: 2021-08-23. Review status: criteria provided, single submitter. Criteria: NYGC Assertion Criteria 2020. Collection method: clinical testing. Allele origin: germline. Observed: 1 heterozygote.
Comment: Thec.5167G>C, p.Glu1723Gln missense variant has not been reported in the literature in individuals with DSP-related disease. This variant is present in population databases (rs142803672, gnomAD v3.1 0.04%), and has an allele count higher than expected for a pathogenic variant (PMID: 28166811), and in silico analysis predicts a deleterious effect (PMID:27268795). Based on the available evidence, the variant c.5167G>C, p.Glu1723Gln in the DSP gene is classified as a Variant of Uncertain Significance.

Ambry Genetics
Classification: Likely benign for Cardiovascular phenotype. Last evaluated: 2021-06-23. Review status: criteria provided, single submitter. Criteria: Ambry Variant Classification Scheme 2023. Collection method: clinical testing. Allele origin: germline.

Victorian Clinical Genetics Services, Murdoch Childrens Research Institute
Classification: Likely benign for Arrhythmogenic right ventricular dysplasia 8. Last evaluated: 2021-05-06. Review status: criteria provided, single submitter. Criteria: ACMG Guidelines, 2015. Collection method: clinical testing. Allele origin: germline.
Comment: Based on the classification scheme VCGS_Germline_v1.3.4, this variant is classified as likely benign. Following criteria are met: 0102 - Loss of function is a known mechanism of disease in this gene and is associated with ARVC (MIM#607450) and other DSP-related cardiac disorders. (I) 0108 - This gene is associated with both recessive and dominant disease. Variants in this gene are usually inherited in a dominant manner, however rare reports of recessive inheritance have resulted in a more severe cardiac phenotype (OMIM). (I) 0112 - The condition associated with this gene has incomplete penetrance. Incomplete penetrance associated with arrhythmogenic cardiomyopathy is well-described (PMID: 29062697). (I) 0115 - Variants in this gene are known to have variable expressivity. Variable expressivity associated with arrhythmogenic cardiomyopathy is well-described (PMID: 29062697). (I) 0200 - Variant is predicted to result in a missense amino acid change from glutamic acid to glutamine. (I) 0251 - This variant is heterozygous. (I) 0304 - Variant is present in gnomAD v2 <0.01 (62 heterozygotes, 1 homozygote). (SP) 0502 - Missense variant with conflicting in silico predictions and uninformative conservation. (I) 0600 - Variant is located in the annotated coiled coil region in the central fibrous rod domain (UniProt). (I) 0705 - No comparable missense variants have previous evidence for pathogenicity. (I) 0808 - Previous reports of pathogenicity for this variant are conflicting. While this variant has mainly been classified as a VUS by clinical diagnostic laboratories, it has also been classified as a likely benign variant (ClinVar, PMID: 23861362). (I) 0905 - No published segregation evidence has been identified for this variant. (I) 1007 - No published functional evidence has been identified for this variant. (I) 1208 - Inheritance information for this variant is not currently available in this individual. (I) Legend: (SP) - Supporting pathogenic, (I) - Information, (SB) - Supporting benign

GeneDx
Classification: Likely benign. Last evaluated: 2021-03-27. Review status: criteria provided, single submitter. Criteria: GeneDx Variant Classification Process June 2021. Collection method: clinical testing. Allele origin: germline. Affected: yes.
Comment: This variant is associated with the following publications: (PMID: 23861362)

Color Diagnostics, LLC DBA Color Health
Classification: Likely benign for Cardiomyopathy. Last evaluated: 2019-11-22. Review status: criteria provided, single submitter. Criteria: ACMG Guidelines, 2015. Collection method: clinical testing. Allele origin: germline.

Illumina Laboratory Services, Illumina
Classification: Uncertain significance for Arrhythmogenic right ventricular dysplasia 8. Last evaluated: 2018-01-12. Review status: criteria provided, single submitter. Criteria: ICSL Variant Classification Criteria 13 December 2019. Collection method: clinical testing. Allele origin: germline.

Illumina Laboratory Services, Illumina
Classification: Uncertain significance for Arrhythmogenic cardiomyopathy with wooly hair and keratoderma. Last evaluated: 2018-01-12. Review status: criteria provided, single submitter. Criteria: ICSL Variant Classification Criteria 13 December 2019. Collection method: clinical testing. Allele origin: germline.

Illumina Laboratory Services, Illumina
Classification: Uncertain significance for Lethal acantholytic epidermolysis bullosa. Last evaluated: 2018-01-12. Review status: criteria provided, single submitter. Criteria: ICSL Variant Classification Criteria 13 December 2019. Collection method: clinical testing. Allele origin: germline.

Molecular Diagnostic Laboratory for Inherited Cardiovascular Disease, Montreal Heart Institute
Classification: Uncertain significance for Familial isolated arrhythmogenic right ventricular dysplasia. Last evaluated: 2017-02-06. Review status: criteria provided, single submitter. Criteria: ACMG Guidelines, 2015. Collection method: clinical testing. Allele origin: germline. Affected: yes.

Laboratory for Molecular Medicine, Mass General Brigham Personalized Medicine
Classification: Uncertain significance. Last evaluated: 2017-01-20. Review status: criteria provided, single submitter. Criteria: LMM Criteria. Collection method: clinical testing. Allele origin: germline. Observed: 5 variant alleles.
Comment: proposed classification - variant undergoing re-assessment, contact laboratory

Biesecker Lab/Clinical Genomics Section, National Institutes of Health
Classification: Likely benign. Last evaluated: 2013-06-24. Review status: criteria provided, single submitter. Criteria: Ng et al. (Circ Cardiovasc Genet. 2013). Collection method: research. Allele origin: unknown. Observed: 2 variant alleles. Study: ClinSeq.
Comment: The study set was not selected for affection status in relation to any cancer. Pathogenicity categories were based on literature curation. See Pubmed ID:23861362 for details.

Medical sequencing

PreventionGenetics, part of Exact Sciences
Classification: Likely benign for DSP-related condition. Last evaluated: 2024-06-20. Review status: no assertion criteria provided. Collection method: clinical testing. Allele origin: germline. Not counted in ClinVar's aggregate classification.
Comment: This variant is classified as likely benign based on ACMG/AMP sequence variant interpretation guidelines (Richards et al. 2015 PMID: 25741868, with internal and published modifications).

Knight Diagnostic Laboratories, Oregon Health and Sciences University
Classification: Uncertain significance for Arrhythmogenic right ventricular dysplasia 8. Last evaluated: 2016-03-30. Review status: no assertion criteria provided. Criteria: ACMG Guidelines, 2015. Collection method: clinical testing. Allele origin: germline. Affected: no. Study: CSER-NextGen. Not counted in ClinVar's aggregate classification.

Literature cited by the submitters: PubMed 34815391 (cited by Women's Health and Genetics/Laboratory Corporation of America, LabCorp); PubMed 23861362 (cited by Ambry Genetics and Victorian Clinical Genetics Services, Murdoch Childrens Research Institute); PubMed 29062697 (cited by Victorian Clinical Genetics Services, Murdoch Childrens Research Institute).

NM_004415.4(DSP):c.5167G>C (p.Glu1723Gln)

Gene: DSP (desmoplakin; plus strand). Cytogenetic location: 6p24.3.
Variant type: single nucleotide variant.
Coding change: c.5167G>C on transcript NM_004415.4 (MANE Select); coding-DNA position 5167, G replaced by C.
Protein change: p.Glu1723Gln; replaces glutamic acid 1723 with glutamine.
Molecular consequence: missense variant. On other transcripts: intron variant (2).
Genome position (GRCh38, 1-based): chr6:7,581,357, G>C. VCF-style: chr6-7581357-G-C. GRCh37 (hg19) VCF-style: chr6-7581590-G-C.
Other names: p.E1723Q:GAA>CAA; c.4050+1117G>C (NM_001319034.2); c.3583-1285G>C (NM_001008844.3); short protein forms E1723Q.
Identifiers: ClinVar variation 44924 (VCV000044924.34), dbSNP rs142803672, ClinGen allele CA004633.